The following is an entry in ClinVar:

ClinVar aggregate classification (germline): Benign/Likely benign. Review status: criteria provided, multiple submitters, no conflicts (2 of 4 stars). 2 submissions from 2 submitters: Benign (1); Likely benign (1). Last evaluated 2026-04-27.

Conditions:
Colorectal cancer, susceptibility to, 1. Also called: COLORECTAL ADENOMA AND CANCER, SUSCEPTIBILITY TO; COLORECTAL CANCER, SUSCEPTIBILITY TO, ON CHROMOSOME 9. Identifiers: MedGen C1837315, MONDO:0012132, OMIM 608812.

Allele frequency attached by ClinVar (database versions not stated): ExAC 0.00001.
gnomAD v4.1: 4 of 1,614,084 alleles (0.00025%); highest among the groups gnomAD compares: Non-Finnish European, 0.000085%; no homozygotes.

Submissions (2):

Myriad Genetics, Inc.
Classification: Benign for Colorectal cancer, susceptibility to, 1. Last evaluated: 2026-04-27. Review status: criteria provided, single submitter. Criteria: Myriad Autosomal Dominant, Autosomal Recessive and X-Linked Classification Criteria (2023). Collection method: clinical testing. Allele origin: unknown.
Comment: This variant is considered benign. This variant is a silent/synonymous amino acid change and it is not expected to impact splicing.

Ambry Genetics
Classification: Likely benign. Last evaluated: 2022-08-28. Review status: criteria provided, single submitter. Criteria: Ambry Variant Classification Scheme 2023. Collection method: clinical testing. Allele origin: germline.

NM_024642.5(GALNT12):c.1311T>C (p.His437=)

Gene: GALNT12 (polypeptide N-acetylgalactosaminyltransferase 12; plus strand). Cytogenetic location: 9q22.33.
Variant type: single nucleotide variant.
Coding change: c.1311T>C on transcript NM_024642.5 (MANE Select); coding-DNA position 1311, T replaced by C.
Protein change: p.His437=; no amino-acid change (histidine 437 retained).
Molecular consequence: synonymous variant.
Genome position (GRCh38, 1-based): chr9:98,840,100, T>C. VCF-style: chr9-98840100-T-C. GRCh37 (hg19) VCF-style: chr9-101602382-T-C.
Identifiers: ClinVar variation 1769681 (VCV001769681.3), dbSNP rs773376227, ClinGen allele CA5154228.
Genomic context (GRCh38, chr9:98,840,100, plus strand): 5'-GGACAAGCTCCAGTGTAAAGACTTCAAGTGGTTCTTGGAGACTGTGTATCCAGAACTGCA[T>C]GTGCCTGAGGACAGGCCTGGCTTCTTCGGGATGGTGAGTGAGGGTGGTGGGCCCACGGCA-3'
Protein context (NP_078918.3, residues 427-447): WFLETVYPEL[His437=]VPEDRPGFFG